The following is an entry in ClinVar:

NM_016169.4(SUFU):c.757-11_757-7del

Gene: SUFU (SUFU negative regulator of hedgehog signaling; plus strand). Cytogenetic location: 10q24.32.
Variant type: Deletion.
Coding change: c.757-11_757-7del on transcript NM_016169.4 (MANE Select); 11 bases into the intron before coding-DNA position 757 through 7 bases into the intron before coding-DNA position 757, 5 bases deleted (TTTTC; older notation c.757-11_757-7delTTTTC).
Molecular consequence: intron variant.
Genome position (GRCh38, 1-based): chr10:102,597,129-102,597,133, TTTTC deleted; deleting any 5 consecutive bases within chr10:102,597,126-102,597,133 gives the same sequence; the c. name uses the placement nearest the transcript's 3' end. VCF-style (leftmost placement, unchanged base first): chr10-102597125-GTTCTT-G. GRCh37 (hg19) VCF-style: chr10-104356882-GTTCTT-G.
Other names: c.757-11_757-7delTTTTC (NM_016169.3); c.757-11_757-7del (NM_001178133.2).
Identifiers: ClinVar variation 406378 (VCV000406378.11), dbSNP rs1060501103, ClinGen allele CA16612717.
Genomic context (GRCh38, chr10:102,597,125, plus strand): 5'-AGTGGCTGAAAGGGTGGTCACCTTGGGTCACCAGTTCTCTGAAAGAACTCTGGCTCTTTG[GTTCTT>G]TTCAAGCAGGAGAGAGTTGACAAAGGCATCGAGACAGATGGCTCCAACCTGAGTGGTGTC-3'

ClinVar aggregate classification (germline): Conflicting classifications of pathogenicity. Review status: criteria provided, conflicting classifications (1 of 4 stars). 2 submissions from 2 submitters: Uncertain significance (1); Likely benign (1). Last evaluated 2024-12-18.

Conditions:
Medulloblastoma (MDB). Also called: Medulloblastoma, somatic; MEDULLOBLASTOMA PREDISPOSITION SYNDROME. Identifiers: Orphanet 616, MedGen C0025149, MeSH D008527, MONDO:0007959, OMIM 155255, HP:0002885.
Gorlin syndrome. Also called: Nevoid Basal Cell Carcinoma Syndrome; Basal cell nevus syndrome. Identifiers: Orphanet 377, MedGen C0004779, MONDO:0007187.

Submissions (2):

Labcorp Genetics (formerly Invitae), Labcorp
Classification: Likely benign for Gorlin syndrome; Medulloblastoma. Last evaluated: 2024-12-18. Review status: criteria provided, single submitter. Criteria: Invitae Variant Classification Sherloc (09022015). Collection method: clinical testing. Allele origin: germline.

GeneDx
Classification: Uncertain significance. Last evaluated: 2024-10-21. Review status: criteria provided, single submitter. Criteria: GeneDx Variant Classification Process June 2021. Collection method: clinical testing. Allele origin: germline. Affected: yes.
Comment: In silico analysis is inconclusive as to whether the variant alters gene splicing. In the absence of RNA/functional studies, the actual effect of this sequence change is unknown.; Not observed at significant frequency in large population cohorts (gnomAD); Has not been previously published as pathogenic or benign to our knowledge